The following is an entry in ClinVar:

ClinVar aggregate classification (germline): Likely pathogenic (1 of 4 stars; one submission).

Conditions:
Joubert syndrome 6 (JBTS6). Identifiers: Orphanet 475, MedGen C1853153, MONDO:0012539, OMIM 610688.

Submission:

3billion
Classification: Likely pathogenic for Joubert syndrome 6. Last evaluated: 2024-09-12. Review status: criteria provided, single submitter. Criteria: ACMG Guidelines, 2015. Collection method: clinical testing. Allele origin: germline. Affected: yes.
Comment: The variant is not observed in the gnomAD v4.0.0 dataset. Predicted Consequence/Location: Frameshift: predicted to result in a loss or disruption of normal protein function through nonsense-mediated decay (NMD) or protein truncation. Multiple pathogenic variants are reported downstream of the variant. Therefore, this variant is classified as Likely pathogenic according to the recommendation of ACMG/AMP guideline.

NM_153704.6(TMEM67):c.431del (p.Leu144fs)

Gene: TMEM67 (transmembrane protein 67; plus strand). Cytogenetic location: 8q22.1.
Variant type: Deletion.
Coding change: c.431del on transcript NM_153704.6 (MANE Select); coding-DNA position 431, one base deleted (T; older notation c.431delT).
Protein change: p.Leu144fs; shifts the reading frame from leucine 144.
Molecular consequence: frameshift variant. On other transcripts: non-coding transcript variant (1).
Genome position (GRCh38, 1-based): chr8:93,763,866, T deleted; the last of 2 consecutive T bases (chr8:93,763,865-93,763,866); deleting either gives the same sequence. VCF-style (leftmost placement, unchanged base first): chr8-93763864-AT-A. GRCh37 (hg19) VCF-style: chr8-94776092-AT-A.
Other names: c.188del, p.Leu63fs (NM_001142301.1); short protein forms L144fs, L63fs.
Identifiers: ClinVar variation 4292038 (VCV004292038.1).
Genomic context (GRCh38, chr8:93,763,864, plus strand): 5'-TATGAGTTACATCTTTATTTTGTTTCTAAACTGTTCAGTGGAAAGAGACATTAATGGAAC[AT>A]TGTTGTCTCAAGCAACTTGTGAGCTCTGTGATGGAAATGAAAACTCTTTTATGGTAGTAA-3'